The following is an entry in ClinVar:

ClinVar aggregate classification (germline): Pathogenic (1 of 4 stars; one submission).

Conditions:
Glycogen storage disease type III (GSD3). Also called: FORBES DISEASE; Cori disease. Identifiers: Orphanet 366, MedGen C0017922, MONDO:0009291, OMIM 232400.

Submission:

Labcorp Genetics (formerly Invitae), Labcorp
Classification: Pathogenic for Glycogen storage disease type III. Last evaluated: 2024-02-14. Review status: criteria provided, single submitter. Criteria: Invitae Variant Classification Sherloc (09022015). Collection method: clinical testing. Allele origin: germline.
Comment: This sequence change creates a premature translational stop signal (p.Phe357Serfs*25) in the AGL gene. It is expected to result in an absent or disrupted protein product. Loss-of-function variants in AGL are known to be pathogenic (PMID: 19299494). This variant is not present in population databases (gnomAD no frequency). This variant has not been reported in the literature in individuals affected with AGL-related conditions. For these reasons, this variant has been classified as Pathogenic.

Literature cited by the submitters: PubMed 19299494.

NM_000642.3(AGL):c.1070del (p.Phe357fs)

Gene: AGL (amylo-alpha-1,6-glucosidase and 4-alpha-glucanotransferase; plus strand). Cytogenetic location: 1p21.2.
Variant type: Deletion.
Coding change: c.1070del on transcript NM_000642.3 (MANE Select); coding-DNA position 1070, one base deleted (T; older notation c.1070delT).
Protein change: p.Phe357fs; shifts the reading frame from phenylalanine 357.
Molecular consequence: frameshift variant.
Genome position (GRCh38, 1-based): chr1:99,874,798, T deleted; the last of 3 consecutive T bases (chr1:99,874,796-99,874,798); deleting any one gives the same sequence. VCF-style (leftmost placement, unchanged base first): chr1-99874795-CT-C. GRCh37 (hg19) VCF-style: chr1-100340351-CT-C.
Other names: c.1070del, p.Phe357fs (NM_000028.3, NM_000643.3, NM_000644.3 and 3 more transcripts); c.1022del, p.Phe341fs (NM_000646.3); c.866del, p.Phe289fs (NM_001425328.1, NM_001425329.1); c.692del, p.Phe231fs (NM_001425332.1); short protein forms F357fs, F231fs, F289fs, F341fs.
Identifiers: ClinVar variation 3640758 (VCV003640758.2).